The following is an entry in ClinVar:

NM_018699.4(PRDM5):c.670A>T (p.Lys224Ter)

Gene: PRDM5 (PR/SET domain 5; minus strand). Cytogenetic location: 4q27.
Variant type: single nucleotide variant.
Coding change: c.670A>T on transcript NM_018699.4 (MANE Select); coding-DNA position 670, A replaced by T.
Protein change: p.Lys224Ter; replaces lysine 224 with a stop codon.
Molecular consequence: nonsense. On other transcripts: intron variant (3).
Genome position (GRCh38, 1-based): chr4:120,816,905, T>A on the plus strand (A>T on the coding strand, the complement: PRDM5 is on the minus strand). VCF-style: chr4-120816905-T-A. GRCh37 (hg19) VCF-style: chr4-121738060-T-A.
Other names: c.670A>T, p.Lys224Ter (NM_001379104.1); c.651-331A>T (NM_001300824.2, NM_001379106.1, NM_001300823.2); short protein forms K224*.
Identifiers: ClinVar variation 420960 (VCV000420960.23), dbSNP rs1064794819, ClinGen allele CA16618029.

ClinVar aggregate classification (germline): Conflicting classifications of pathogenicity. Review status: criteria provided, conflicting classifications (1 of 4 stars). 9 submissions from 9 submitters: Pathogenic (2); Likely pathogenic (5); Uncertain significance (2). Last evaluated 2026-02-25.

Conditions:
Cardiovascular phenotype. Identifiers: MedGen CN230736.
PRDM5-related disorder. Also called: PRDM5-related condition.
Brittle cornea syndrome 2 (BCS2). Identifiers: Orphanet 90354, MedGen C3280011, MONDO:0013605, OMIM 614170.

Allele frequency attached by ClinVar (database versions not stated): gnomAD 0.00001; gnomAD exomes 0.00001; TOPMed 0.00002.
gnomAD v4.1: 9 of 1,613,264 alleles (0.00056%); highest among the groups gnomAD compares: Middle Eastern, 0.05%; no homozygotes.

Submissions (9):

Dasa
Classification: Likely pathogenic. Last evaluated: 2026-02-25. Review status: criteria provided, single submitter. Criteria: DASA Assertion Criteria. Collection method: clinical testing. Allele origin: germline.
Comment: NM_018699.4(PRDM5):c.670A>T (p.Lys224*) is a nonsense variant in PRDM5 predicted to introduce a premature termination codon and is predicted to result in an absent or altered protein product. Loss of function is an established disease mechanism for PRDM5-associated disorders. Also, this variant is rare in population databases. Based on the currently available evidence, this variant is classified as likely pathogenic.

Women's Health and Genetics/Laboratory Corporation of America, LabCorp
Classification: Pathogenic for Brittle cornea syndrome 2. Last evaluated: 2025-11-10. Review status: criteria provided, single submitter. Criteria: LabCorp Variant Classification Summary - May 2015. Collection method: clinical testing. Allele origin: germline.
Comment: Variant summary: PRDM5 c.670A>T (p.Lys224X) results in a premature termination codon, predicted to cause a truncation of the encoded protein or absence of the protein due to nonsense mediated decay, which are commonly known mechanisms for disease. The variant was absent in 251422 control chromosomes. To our knowledge, no occurrence of c.670A>T in individuals affected with PRDM5-related conditions and no experimental evidence demonstrating its impact on protein function have been reported. ClinVar contains an entry for this variant (Variation ID: 420960). Based on the evidence outlined above, the variant was classified as pathogenic.

PreventionGenetics, part of Exact Sciences
Classification: Likely pathogenic for PRDM5-related condition. Last evaluated: 2025-06-19. Review status: criteria provided, single submitter. Criteria: ACMG Guidelines, 2015. Collection method: clinical testing. Allele origin: germline.
Comment: The PRDM5 c.670A>T variant is predicted to result in premature protein termination (p.Lys224*). To our knowledge, this variant has not been reported the literature in patients with PRDM5-related disorders or a large population database, indicating this variant is rare. Nonsense variants in PRDM5 are expected to be pathogenic. This variant is interpreted as likely pathogenic.

Ambry Genetics
Classification: Pathogenic for Cardiovascular phenotype. Last evaluated: 2025-05-21. Review status: criteria provided, single submitter. Criteria: Ambry Variant Classification Scheme 2023. Collection method: clinical testing. Allele origin: germline.
Comment: The p.K224* pathogenic mutation (also known as c.670A>T), located in coding exon 6 of the PRDM5 gene, results from an A to T substitution at nucleotide position 670. This changes the amino acid from a lysine to a stop codon within coding exon 6. This variant is considered to be rare based on population cohorts in the Genome Aggregation Database (gnomAD). This alteration is expected to result in loss of function by premature protein truncation or nonsense-mediated mRNA decay. As such, this alteration is interpreted as a disease-causing mutation.

Genomic Medicine Center of Excellence, King Faisal Specialist Hospital and Research Centre
Classification: Uncertain significance for Brittle cornea syndrome 2. Last evaluated: 2024-03-26. Review status: criteria provided, single submitter. Criteria: ACMG Guidelines, 2015. Collection method: clinical testing. Allele origin: germline.

Blueprint Genetics
Classification: Likely pathogenic for PRDM5-related disorders. Last evaluated: 2023-02-23. Review status: criteria provided, single submitter. Criteria: ACMG Guidelines, 2015. Collection method: clinical testing. Allele origin: germline. Affected: yes. Observed: 5 variant alleles.

GeneDx
Classification: Likely pathogenic. Last evaluated: 2022-04-22. Review status: criteria provided, single submitter. Criteria: GeneDx Variant Classification Process June 2021. Collection method: clinical testing. Allele origin: germline. Affected: yes.
Comment: Has not been previously published as pathogenic or benign to our knowledge; Not observed in large population cohorts (gnomAD); Nonsense variant predicted to result in protein truncation or nonsense mediated decay in a gene for which loss-of-function is a known mechanism of disease

Revvity Omics, Revvity
Classification: Likely pathogenic for Brittle cornea syndrome 2. Last evaluated: 2022-03-10. Review status: criteria provided, single submitter. Criteria: ACMG Guidelines, 2015. Collection method: clinical testing. Allele origin: germline.

Dubai Health Genomic Medicine Center, Dubai Health
Classification: Uncertain significance for Brittle cornea syndrome 2. Last evaluated: 2020-07-23. Review status: criteria provided, single submitter. Criteria: ACMG Guidelines, 2015. Collection method: clinical testing. Allele origin: germline. Affected: yes.
Comment: The Lys224* nonsense variant in PRDM5 has not been previously reported in individuals with disease and was absent from large population studies such as the Genome Aggregation Database (gnomAD) and the Greater Middle East (GME) Variome Database. This nonsense variant leads to a premature termination codon at position 224 which is predicted to lead to a truncated or absent protein. However the impacted exon is not present in all biologically relevant PRDM5 transcripts and therefore might not be a true loss of function variant. In summary more information is needed to determine the clinical significance of this variant.

Literature cited by the submitters: PubMed 36703223 (cited by Women's Health and Genetics/Laboratory Corporation of America, LabCorp); PubMed 39411402 (cited by Women's Health and Genetics/Laboratory Corporation of America, LabCorp); PubMed 39425040 (cited by Women's Health and Genetics/Laboratory Corporation of America, LabCorp).